The following is an entry in ClinVar:

NM_002485.5(NBN):c.884A>G (p.Asp295Gly)

Gene: NBN (nibrin; minus strand). Cytogenetic location: 8q21.3.
Variant type: single nucleotide variant.
Coding change: c.884A>G on transcript NM_002485.5 (MANE Select); coding-DNA position 884, A replaced by G.
Protein change: p.Asp295Gly; replaces aspartic acid 295 with glycine.
Molecular consequence: missense variant.
Genome position (GRCh38, 1-based): chr8:89,970,376, T>C on the plus strand (A>G on the coding strand, the complement: NBN is on the minus strand). VCF-style: chr8-89970376-T-C. GRCh37 (hg19) VCF-style: chr8-90982604-T-C.
Other names: c.638A>G, p.Asp213Gly (NM_001024688.3); short protein forms D213G, D295G.
Identifiers: ClinVar variation 1052283 (VCV001052283.11), dbSNP rs1208423434, ClinGen allele CA371658219.
Genomic context (GRCh38, chr8:89,970,376, plus strand): 5'-TAAAATCTCCTACTTGCAGTTTTTTACTAATAAAGAATAATTCTATACCTTTGGAGCATA[T>C]CCATTATTGACTGAATCCATTTCTTCTGACAGTCAGGAATTAAGGTCTGTGAGTTTGTTA-3'
Protein context (NP_002476.2, residues 285-305): CQKKWIQSIM[Asp295Gly]MLQRQGLRPI

ClinVar aggregate classification (germline): Uncertain significance. Review status: criteria provided, multiple submitters, no conflicts (2 of 4 stars). 2 submissions from 2 submitters: Uncertain significance (2). Last evaluated 2023-10-10.

Conditions:
Hereditary cancer-predisposing syndrome. Also called: Hereditary Cancer Syndrome; Tumor predisposition; Hereditary neoplastic syndrome; Neoplastic Syndromes, Hereditary. Identifiers: Orphanet 140162, MedGen C0027672, MeSH D009386, MONDO:0015356.
Microcephaly, normal intelligence and immunodeficiency (NBS). Also called: Nijmegen breakage syndrome; Microcephaly with normal intelligence immunodeficiency and lymphoreticular malignancies; Nonsyndromal microcephaly autosomal recessive with normal intelligence; Seemanova syndrome 2; SEEMANOVA SYNDROME II; IMMUNODEFICIENCY, MICROCEPHALY, AND CHROMOSOMAL INSTABILITY. Identifiers: Orphanet 647, MedGen C0398791, MONDO:0009623, OMIM 251260.

Submissions (2):

Labcorp Genetics (formerly Invitae), Labcorp
Classification: Uncertain significance for Microcephaly, normal intelligence and immunodeficiency. Last evaluated: 2023-10-10. Review status: criteria provided, single submitter. Criteria: Invitae Variant Classification Sherloc (09022015). Collection method: clinical testing. Allele origin: germline.
Comment: This sequence change replaces aspartic acid, which is acidic and polar, with glycine, which is neutral and non-polar, at codon 295 of the NBN protein (p.Asp295Gly). This variant is not present in population databases (gnomAD no frequency). This variant has not been reported in the literature in individuals affected with NBN-related conditions. ClinVar contains an entry for this variant (Variation ID: 1052283). Algorithms developed to predict the effect of missense changes on protein structure and function output the following: SIFT: "Not Available"; PolyPhen-2: "Benign"; Align-GVGD: "Not Available". The glycine amino acid residue is found in multiple mammalian species, which suggests that this missense change does not adversely affect protein function. Algorithms developed to predict the effect of sequence changes on RNA splicing suggest that this variant may create or strengthen a splice site. In summary, the available evidence is currently insufficient to determine the role of this variant in disease. Therefore, it has been classified as a Variant of Uncertain Significance.

Ambry Genetics
Classification: Uncertain significance for Hereditary cancer-predisposing syndrome. Last evaluated: 2022-06-09. Review status: criteria provided, single submitter. Criteria: Ambry Variant Classification Scheme 2023. Collection method: clinical testing. Allele origin: germline.
Comment: The p.D295G variant (also known as c.884A>G), located in coding exon 7 of the NBN gene, results from an A to G substitution at nucleotide position 884. The aspartic acid at codon 295 is replaced by glycine, an amino acid with similar properties. This amino acid position is not well conserved in available vertebrate species. In addition, this alteration is predicted to be tolerated by in silico analysis. Since supporting evidence is limited at this time, the clinical significance of this alteration remains unclear.